The following is an entry in ClinVar:

NM_000337.6(SGCD):c.761C>T (p.Thr254Ile)

Gene: SGCD (sarcoglycan delta; plus strand). Cytogenetic location: 5q33.3.
Variant type: single nucleotide variant.
Coding change: c.761C>T on transcript NM_000337.6 (MANE Select); coding-DNA position 761, C replaced by T.
Protein change: p.Thr254Ile; replaces threonine 254 with isoleucine.
Molecular consequence: missense variant.
Genome position (GRCh38, 1-based): chr5:156,759,278, C>T. VCF-style: chr5-156759278-C-T. GRCh37 (hg19) VCF-style: chr5-156186289-C-T.
Other names: c.758C>T, p.Thr253Ile (NM_001128209.2); short protein forms T254I, T253I.
Identifiers: ClinVar variation 411707 (VCV000411707.10), dbSNP rs372607729, ClinGen allele CA3530691.

ClinVar aggregate classification (germline): Uncertain significance. Review status: criteria provided, multiple submitters, no conflicts (2 of 4 stars). 2 submissions from 2 submitters: Uncertain significance (2). Last evaluated 2024-12-16.

Conditions:
Autosomal recessive limb-girdle muscular dystrophy type 2F (LGMDR6). Also called: Muscular dystrophy limb-girdle with delta-sarcoglyan deficiency; MUSCULAR DYSTROPHY, LIMB-GIRDLE, AUTOSOMAL RECESSIVE 6. Identifiers: Orphanet 219, MedGen C1832525, MONDO:0011028, OMIM 601287. Disease mechanism: Affects gamma-sarcoglycan and also disrupts the integrity of the entire sarcoglycan complex..

Allele frequency attached by ClinVar (database versions not stated): ExAC 0.00001.
gnomAD v4.1: 8 of 1,613,350 alleles (0.0005%); highest among the groups gnomAD compares: Non-Finnish European, 0.00051%; no homozygotes.

Submissions (2):

GeneDx
Classification: Uncertain significance. Last evaluated: 2024-12-16. Review status: criteria provided, single submitter. Criteria: GeneDx Variant Classification Process June 2021. Collection method: clinical testing. Allele origin: germline. Affected: yes.
Comment: Not observed at significant frequency in large population cohorts (gnomAD); In silico analysis indicates that this missense variant does not alter protein structure/function; Has not been previously published as pathogenic or benign to our knowledge

Labcorp Genetics (formerly Invitae), Labcorp
Classification: Uncertain significance for Autosomal recessive limb-girdle muscular dystrophy type 2F. Last evaluated: 2022-07-19. Review status: criteria provided, single submitter. Criteria: Invitae Variant Classification Sherloc (09022015). Collection method: clinical testing. Allele origin: germline.
Comment: This sequence change replaces threonine, which is neutral and polar, with isoleucine, which is neutral and non-polar, at codon 254 of the SGCD protein (p.Thr254Ile). This variant is present in population databases (rs372607729, gnomAD 0.0009%). This variant has not been reported in the literature in individuals affected with SGCD-related conditions. ClinVar contains an entry for this variant (Variation ID: 411707). Algorithms developed to predict the effect of missense changes on protein structure and function (SIFT, PolyPhen-2, Align-GVGD) all suggest that this variant is likely to be tolerated. Algorithms developed to predict the effect of sequence changes on RNA splicing suggest that this variant may disrupt the consensus splice site. In summary, the available evidence is currently insufficient to determine the role of this variant in disease. Therefore, it has been classified as a Variant of Uncertain Significance.